The following is an entry in ClinVar:

NM_015559.3(SETBP1):c.3341G>C (p.Gly1114Ala)

Gene: SETBP1 (SET binding protein 1; plus strand). Cytogenetic location: 18q12.3.
Variant type: single nucleotide variant.
Coding change: c.3341G>C on transcript NM_015559.3 (MANE Select); coding-DNA position 3341, G replaced by C.
Protein change: p.Gly1114Ala; replaces glycine 1114 with alanine.
Molecular consequence: missense variant.
Genome position (GRCh38, 1-based): chr18:44,952,681, G>C. VCF-style: chr18-44952681-G-C. GRCh37 (hg19) VCF-style: chr18-42532646-G-C.
Other names: c.3341G>C, p.Gly1114Ala (NM_001379141.1, NM_001379142.1); short protein forms G1114A.
Identifiers: ClinVar variation 930461 (VCV000930461.3), dbSNP rs2071387812, ClinGen allele CA402324226.

ClinVar aggregate classification (germline): Uncertain significance (1 of 4 stars; one submission).

Conditions:
Intellectual developmental disorder, autosomal dominant 29. Also called: SETBP1 Haploinsufficiency Disorder; Intellectual disability, autosomal dominant 29. Identifiers: Orphanet 436151, MedGen C4015141, MONDO:0014482, OMIM 616078.

Allele frequency attached by ClinVar (database versions not stated): TOPMed below 0.00001; gnomAD exomes below 0.00001.
gnomAD v4.1: 1 of 1,614,142 alleles (0.000062%); highest among the groups gnomAD compares: Non-Finnish European, 0.000085%; no homozygotes.

Submission:

Centre for Mendelian Genomics, University Medical Centre Ljubljana
Classification: Uncertain significance for Intellectual developmental disorder, autosomal dominant 29. Last evaluated: 2019-04-25. Review status: criteria provided, single submitter. Criteria: ACMG Guidelines, 2015. Collection method: clinical testing. Allele origin: unknown. Affected: yes.
Comment: This variant was classified as: Uncertain significance. The available evidence on this variant's pathogenicity is insufficient or conflicting. The following ACMG criteria were applied in classifying this variant: PM2.